The following is an entry in ClinVar:

NM_022455.5(NSD1):c.3629C>T (p.Ser1210Leu)

Gene: NSD1 (nuclear receptor binding SET domain protein 1; plus strand). Cytogenetic location: 5q35.3.
Variant type: single nucleotide variant.
Coding change: c.3629C>T on transcript NM_022455.5 (MANE Select); coding-DNA position 3629, C replaced by T.
Protein change: p.Ser1210Leu; replaces serine 1210 with leucine.
Molecular consequence: missense variant.
Genome position (GRCh38, 1-based): chr5:177,212,028, C>T. VCF-style: chr5-177212028-C-T. GRCh37 (hg19) VCF-style: chr5-176639029-C-T.
Other names: c.2756C>T, p.Ser919Leu (NM_001365684.2, NM_172349.5, NM_001409306.1 and 3 more transcripts); c.3629C>T, p.Ser1210Leu (NM_001409301.1, NM_001409302.1, NM_001409303.1); c.3209C>T, p.Ser1070Leu (NM_001409304.1); c.2876C>T, p.Ser959Leu (NM_001409305.1); short protein forms S1070L, S959L, S1210L, S919L.
Identifiers: ClinVar variation 3635578 (VCV003635578.2).

ClinVar aggregate classification (germline): Uncertain significance (1 of 4 stars; one submission).

gnomAD v4.1: 1 of 1,614,122 alleles (0.000062%); highest among the groups gnomAD compares: Non-Finnish European, 0.000085%; no homozygotes.

Submission:

Labcorp Genetics (formerly Invitae), Labcorp
Classification: Uncertain significance. Last evaluated: 2024-07-11. Review status: criteria provided, single submitter. Criteria: Invitae Variant Classification Sherloc (09022015). Collection method: clinical testing. Allele origin: germline.
Comment: This sequence change replaces serine, which is neutral and polar, with leucine, which is neutral and non-polar, at codon 1210 of the NSD1 protein (p.Ser1210Leu). This variant is not present in population databases (gnomAD no frequency). This variant has not been reported in the literature in individuals affected with NSD1-related conditions. Advanced modeling of protein sequence and biophysical properties (such as structural, functional, and spatial information, amino acid conservation, physicochemical variation, residue mobility, and thermodynamic stability) performed at Invitae indicates that this missense variant is not expected to disrupt NSD1 protein function with a negative predictive value of 95%. In summary, the available evidence is currently insufficient to determine the role of this variant in disease. Therefore, it has been classified as a Variant of Uncertain Significance.